The following is an entry in ClinVar:

ClinVar aggregate classification (germline): Likely pathogenic (1 of 4 stars; one submission).

Conditions:
Spinocerebellar ataxia, autosomal recessive 22 (SCAR22). Identifiers: MedGen C4310781, MONDO:0014845, OMIM 616948.

Submission:

First Genomix Gene Laboratory, Genetic Diagnostics Department
Classification: Likely pathogenic for Spinocerebellar ataxia, autosomal recessive 22. Last evaluated: 2025-04-30. Review status: criteria provided, single submitter. Criteria: ACMG Guidelines, 2015. Collection method: clinical testing. Allele origin: germline. Inheritance: Autosomal recessive inheritance. Affected: no. Observed: 1 variant allele.

NM_144992.5(VWA3B):c.402del (p.Phe134fs)

Gene: VWA3B (von Willebrand factor A domain containing 3B; plus strand). Cytogenetic location: 2q11.2.
Variant type: Deletion.
Coding change: c.402del on transcript NM_144992.5 (MANE Select); coding-DNA position 402, one base deleted (T; older notation c.402delT).
Protein change: p.Phe134fs; shifts the reading frame from phenylalanine 134.
Molecular consequence: frameshift variant. On other transcripts: non-coding transcript variant (3).
Genome position (GRCh38, 1-based): chr2:98,119,623, T deleted; the last of 5 consecutive T bases (chr2:98,119,619-98,119,623); deleting any one gives the same sequence. VCF-style (leftmost placement, unchanged base first): chr2-98119618-AT-A. GRCh37 (hg19) VCF-style: chr2-98736081-AT-A.
Other names: c.402delT (NM_144992.5); short protein forms F134fs.
Identifiers: ClinVar variation 4845934 (VCV004845934.1).
Genomic context (GRCh38, chr2:98,119,618, plus strand): 5'-ACACAAGCTGTGGAGAGCTACAAGCAGCGAATGGACTGGCTCACCAGCAAGAGCCGGCAG[AT>A]TTTTGGTGTCATCTTGGAACAGTGCGTCACCATAGTGCTGGATTTTGGCGGCATTCTGGA-3'